The following is an entry in ClinVar:

NM_014679.5(CEP57):c.1370C>T (p.Thr457Ile)

Gene: CEP57 (centrosomal protein 57; plus strand). Cytogenetic location: 11q21.
Variant type: single nucleotide variant.
Coding change: c.1370C>T on transcript NM_014679.5 (MANE Select); coding-DNA position 1370, C replaced by T.
Protein change: p.Thr457Ile; replaces threonine 457 with isoleucine.
Molecular consequence: missense variant.
Genome position (GRCh38, 1-based): chr11:95,831,123, C>T. VCF-style: chr11-95831123-C-T. GRCh37 (hg19) VCF-style: chr11-95564287-C-T.
Other names: c.1343C>T, p.Thr448Ile (NM_001243776.2); c.1292C>T, p.Thr431Ile (NM_001243777.2); c.1289C>T, p.Thr430Ile (NM_001363604.2); short protein forms T448I, T430I, T431I, T457I.
Identifiers: ClinVar variation 4001080 (VCV004001080.1).

ClinVar aggregate classification (germline): Uncertain significance (1 of 4 stars; one submission).

Conditions:
Inborn genetic diseases. Identifiers: MedGen C0950123, MeSH D030342.

gnomAD v4.1: 6 of 1,613,528 alleles (0.00037%); highest among the groups gnomAD compares: Non-Finnish European, 0.00051%; no homozygotes.

Submission:

Ambry Genetics
Classification: Uncertain significance for Inborn genetic diseases. Last evaluated: 2025-06-06. Review status: criteria provided, single submitter. Criteria: Ambry Variant Classification Scheme 2023. Collection method: clinical testing. Allele origin: germline.
Comment: The p.T457I variant (also known as c.1370C>T), located in coding exon 11 of the CEP57 gene, results from a C to T substitution at nucleotide position 1370. The threonine at codon 457 is replaced by isoleucine, an amino acid with similar properties. This amino acid position is conserved. In addition, this alteration is predicted to be tolerated by in silico analysis. Based on the available evidence, the clinical significance of this variant remains unclear.